The following is an entry in ClinVar:

NM_024741.3(ZNF408):c.1846T>A (p.Tyr616Asn)

Gene: ZNF408 (zinc finger protein 408; plus strand). Cytogenetic location: 11p11.2.
Variant type: single nucleotide variant.
Coding change: c.1846T>A on transcript NM_024741.3 (MANE Select); coding-DNA position 1846, T replaced by A.
Protein change: p.Tyr616Asn; replaces tyrosine 616 with asparagine.
Molecular consequence: missense variant.
Genome position (GRCh38, 1-based): chr11:46,705,546, T>A. VCF-style: chr11-46705546-T-A. GRCh37 (hg19) VCF-style: chr11-46727096-T-A.
Other names: c.1822T>A, p.Tyr608Asn (NM_001184751.2); short protein forms Y608N, Y616N.
Identifiers: ClinVar variation 2863573 (VCV002863573.3), dbSNP rs989901119, ClinGen allele CA380257653.

ClinVar aggregate classification (germline): Uncertain significance (1 of 4 stars; one submission).

Submission:

Labcorp Genetics (formerly Invitae), Labcorp
Classification: Uncertain significance. Last evaluated: 2023-05-12. Review status: criteria provided, single submitter. Criteria: Invitae Variant Classification Sherloc (09022015). Collection method: clinical testing. Allele origin: germline.
Comment: An algorithm developed to predict the effect of missense changes on protein structure and function (PolyPhen-2) suggests that this variant is likely to be disruptive. This variant is not present in population databases (gnomAD no frequency). This sequence change replaces tyrosine, which is neutral and polar, with asparagine, which is neutral and polar, at codon 616 of the ZNF408 protein (p.Tyr616Asn). This variant has not been reported in the literature in individuals affected with ZNF408-related conditions. In summary, the available evidence is currently insufficient to determine the role of this variant in disease. Therefore, it has been classified as a Variant of Uncertain Significance.